The following is an entry in ClinVar:

NM_152743.4(BRAT1):c.393_422del (p.Gln132_Ala141del)

Gene: BRAT1 (BRCA1 associated ATM activator 1; minus strand). Cytogenetic location: 7p22.3.
Variant type: Deletion.
Coding change: c.393_422del on transcript NM_152743.4 (MANE Select); coding-DNA positions 393 to 422, 30 bases deleted (ACAGCACCCCAGCGCCCTGCGCTTCCTGGC).
Protein change: p.Gln132_Ala141del.
Molecular consequence: inframe deletion. On other transcripts: non-coding transcript variant (1), intron variant (1).
Genome position (GRCh38, 1-based): chr7:2,544,917-2,544,946, GCCAGGAAGCGCAGGGCGCTGGGGTGCTGT deleted on the plus strand (ACAGCACCCCAGCGCCCTGCGCTTCCTGGC on the coding strand, the reverse complement: BRAT1 is on the minus strand); deleting any 30 consecutive bases within chr7:2,544,917-2,544,952 gives the same sequence; the c. name uses the placement nearest the transcript's 3' end. VCF-style (leftmost placement, unchanged base first): chr7-2544916-GGCCAGGAAGCGCAGGGCGCTGGGGTGCTGT-G. GRCh37 (hg19) VCF-style: chr7-2584550-GGCCAGGAAGCGCAGGGCGCTGGGGTGCTGT-G.
Other names: c.393_422del, p.Gln132_Ala141del (NM_001350626.2); c.-95-984_-95-955del (NM_001350627.2).
Identifiers: ClinVar variation 587574 (VCV000587574.19), dbSNP rs1562582216, ClinGen allele CA891843076.

ClinVar aggregate classification (germline): Conflicting classifications of pathogenicity. Review status: criteria provided, conflicting classifications (1 of 4 stars). 5 submissions from 5 submitters: Pathogenic (1); Likely pathogenic (1); Uncertain significance (3). Last evaluated 2026-01-20.

Conditions:
Neurodevelopmental disorder with cerebellar atrophy and with or without seizures. Identifiers: MedGen C4748032, MONDO:0020841, OMIM 618056.
Neonatal-onset encephalopathy with rigidity and seizures. Also called: Lethal neonatal spasticity-epileptic encephalopathy syndrome. Identifiers: Orphanet 435845, MedGen C3281029, MONDO:0013784, OMIM 614498.

Submissions (5):

GeneDx
Classification: Likely pathogenic. Last evaluated: 2026-01-20. Review status: criteria provided, single submitter. Criteria: GeneDx Variant Classification Process June 2021. Collection method: clinical testing. Allele origin: germline.
Comment: Not observed at significant frequency in large population cohorts (gnomAD); In silico analysis supports a deleterious effect on protein structure/function; In-frame deletion of 10 amino acids in a non-repeat region; This variant is associated with the following publications: (PMID: 37344571)

Labcorp Genetics (formerly Invitae), Labcorp
Classification: Pathogenic for Neonatal-onset encephalopathy with rigidity and seizures. Last evaluated: 2025-08-29. Review status: criteria provided, single submitter. Criteria: Invitae Variant Classification Sherloc (09022015). Collection method: clinical testing. Allele origin: germline.
Comment: This variant, c.393_422del, results in the deletion of 10 amino acid(s) of the BRAT1 protein (p.Gln132_Ala141del), but otherwise preserves the integrity of the reading frame. This variant is not present in population databases (gnomAD no frequency). This variant has been observed in individual(s) with clinical features of BRAT1-related conditions (internal data). ClinVar contains an entry for this variant (Variation ID: 587574). This variant disrupts a region of the BRAT1 protein in which other variant(s) (p.Leu140Pro) have been determined to be pathogenic (PMID: 27282546). This suggests that this is a clinically significant region of the protein, and that variants that disrupt it are likely to be disease-causing. For these reasons, this variant has been classified as Pathogenic.

Revvity Omics, Revvity
Classification: Uncertain significance. Last evaluated: 2023-11-13. Review status: criteria provided, single submitter. Criteria: ACMG Guidelines, 2015. Collection method: clinical testing. Allele origin: germline.

Genomic Research Center, Shahid Beheshti University of Medical Sciences
Classification: Uncertain significance for Rigidity and multifocal seizure syndrome, lethal neonatal. Last evaluated: 2018-08-07. Review status: criteria provided, single submitter. Criteria: ACMG Guidelines, 2015. Collection method: clinical testing. Allele origin: inherited. Affected: yes. Observed: 1 variant allele.

Kasturba Medical College, Manipal, Kasturba Medical College, Manipal, Manipal Academy of Higher Education, Manipal, India
Classification: Uncertain significance for Neurodevelopmental disorder with cerebellar atrophy and with or without seizures. Review status: criteria provided, single submitter. Criteria: ACMG Guidelines, 2015. Collection method: clinical testing. Allele origin: germline. Affected: yes.

Literature cited by the submitters: PubMed 27282546 (cited by Labcorp Genetics (formerly Invitae), Labcorp).